The following is an entry in ClinVar:

ClinVar aggregate classification (germline): Uncertain significance. Review status: criteria provided, multiple submitters, no conflicts (2 of 4 stars). 3 submissions from 3 submitters: Uncertain significance (3). Last evaluated 2025-10-27.

Conditions:
NLRP1-related disorder. Also called: NLRP1-related condition.
Inborn genetic diseases. Identifiers: MedGen C0950123, MeSH D030342.

Allele frequency attached by ClinVar (database versions not stated): gnomAD exomes 0.00003 and 0.00005; ExAC 0.00006; TOPMed 0.00021; gnomAD 0.00022 and 0.00024.

Submissions (3):

Labcorp Genetics (formerly Invitae), Labcorp
Classification: Uncertain significance. Last evaluated: 2025-10-27. Review status: criteria provided, single submitter. Criteria: Invitae Variant Classification Sherloc (09022015). Collection method: clinical testing. Allele origin: germline.
Comment: This sequence change replaces arginine, which is basic and polar, with cysteine, which is neutral and slightly polar, at codon 328 of the NLRP1 protein (p.Arg328Cys). This variant is present in population databases (rs200160045, gnomAD 0.07%). This variant has not been reported in the literature in individuals affected with NLRP1-related conditions. ClinVar contains an entry for this variant (Variation ID: 1505605). An algorithm developed to predict the effect of missense changes on protein structure and function (PolyPhen-2) suggests that this variant is likely to be disruptive. In summary, the available evidence is currently insufficient to determine the role of this variant in disease. Therefore, it has been classified as a Variant of Uncertain Significance.

Ambry Genetics
Classification: Uncertain significance for Inborn genetic diseases. Last evaluated: 2024-02-28. Review status: criteria provided, single submitter. Criteria: Ambry Variant Classification Scheme 2023. Collection method: clinical testing. Allele origin: germline.

PreventionGenetics, part of Exact Sciences
Classification: Uncertain significance for NLRP1-related condition. Last evaluated: 2022-10-31. Review status: criteria provided, single submitter. Criteria: ACMG Guidelines, 2015. Collection method: clinical testing. Allele origin: germline.
Comment: The NLRP1 c.982C>T variant is predicted to result in the amino acid substitution p.Arg328Cys. To our knowledge, this variant has not been reported in the literature. This variant is reported in 0.072% of alleles in individuals of African descent in gnomAD. At this time, the clinical significance of this variant is uncertain due to the absence of conclusive functional and genetic evidence.

NM_033004.4(NLRP1):c.982C>T (p.Arg328Cys)

Gene: NLRP1 (NLR family pyrin domain containing 1; minus strand). Cytogenetic location: 17p13.2.
Variant type: single nucleotide variant.
Coding change: c.982C>T on transcript NM_033004.4 (MANE Select); coding-DNA position 982, C replaced by T.
Protein change: p.Arg328Cys; replaces arginine 328 with cysteine.
Molecular consequence: missense variant.
Genome position (GRCh38, 1-based): chr17:5,559,714, G>A on the plus strand (C>T on the coding strand, the complement: NLRP1 is on the minus strand). VCF-style: chr17-5559714-G-A. GRCh37 (hg19) VCF-style: chr17-5463034-G-A.
Other names: c.982C>T, p.Arg328Cys (NM_001033053.3, NM_014922.5, NM_033006.4 and 1 more transcripts); c.982C>T (NM_033004.3); short protein forms R328C.
Identifiers: ClinVar variation 1505605 (VCV001505605.9), dbSNP rs200160045, ClinGen allele CA8327454.
Genomic context (GRCh38, chr17:5,559,714, plus strand): 5'-TCACCTGCCTGGCCAGTGTTGACTTCCCAATTCCAGCAGCCCCCTGCAGTATGACTATGC[G>A]AGGTTCTTGGGTATCCAGGCCTGGGCCAAATAAGTCTCTGATCTCAATTAAATGTCCTCG-3'
Protein context (NP_127497.1, residues 318-338): FGPGLDTQEP[Arg328Cys]IVILQGAAGI